The following is an entry in ClinVar:

ClinVar aggregate classification (germline): Uncertain significance. Review status: criteria provided, multiple submitters, no conflicts (2 of 4 stars). 2 submissions from 2 submitters: Uncertain significance (2). Last evaluated 2025-11-03.

Allele frequency attached by ClinVar (database versions not stated): ExAC 0.00002; gnomAD exomes 0.00003; gnomAD 0.00004; TOPMed 0.00005.
gnomAD v4.1: 50 of 1,613,686 alleles (0.0031%); highest among the groups gnomAD compares: Non-Finnish European, 0.004%; no homozygotes.

Submissions (2):

Ambry Genetics
Classification: Uncertain significance. Last evaluated: 2025-11-03. Review status: criteria provided, single submitter. Criteria: Ambry Variant Classification Scheme 2023. Collection method: clinical testing. Allele origin: germline.

Labcorp Genetics (formerly Invitae), Labcorp
Classification: Uncertain significance. Last evaluated: 2022-05-03. Review status: criteria provided, single submitter. Criteria: Invitae Variant Classification Sherloc (09022015). Collection method: clinical testing. Allele origin: germline.
Comment: In summary, the available evidence is currently insufficient to determine the role of this variant in disease. Therefore, it has been classified as a Variant of Uncertain Significance. Algorithms developed to predict the effect of missense changes on protein structure and function are either unavailable or do not agree on the potential impact of this missense change (SIFT: "Deleterious"; PolyPhen-2: "Benign"; Align-GVGD: "Class C0"). This variant has not been reported in the literature in individuals affected with SNAI2-related conditions. This variant is present in population databases (rs763952937, gnomAD 0.005%). This sequence change replaces asparagine, which is neutral and polar, with aspartic acid, which is acidic and polar, at codon 12 of the SNAI2 protein (p.Asn12Asp).

NM_003068.5(SNAI2):c.34A>G (p.Asn12Asp)

Gene: SNAI2 (snail family transcriptional repressor 2; minus strand). Cytogenetic location: 8q11.21.
Variant type: single nucleotide variant.
Coding change: c.34A>G on transcript NM_003068.5 (MANE Select); coding-DNA position 34, A replaced by G.
Protein change: p.Asn12Asp; replaces asparagine 12 with aspartic acid.
Molecular consequence: missense variant.
Genome position (GRCh38, 1-based): chr8:48,921,232, T>C on the plus strand (A>G on the coding strand, the complement: SNAI2 is on the minus strand). VCF-style: chr8-48921232-T-C. GRCh37 (hg19) VCF-style: chr8-49833791-T-C.
Other names: c.34A>G (NM_003068.4); short protein forms N12D.
Identifiers: ClinVar variation 2172870 (VCV002172870.5), dbSNP rs763952937, ClinGen allele CA4743568.
Genomic context (GRCh38, chr8:48,921,232, plus strand): 5'-TTTTTCTCTTTTTACCTGTATGTGTGTCCAGTTCGCTGTAGTTTGGCTTTTTGGAGGCGT[T>C]GAAATGCTTCTTGACCAGGAAGGAGCGCGGCATCTTGCCAGCGGGTCTGGCGGGCGCCCG-3'
Protein context (NP_003059.1, residues 2-22): PRSFLVKKHF[Asn12Asp]ASKKPNYSEL